The following is an entry in ClinVar:

NM_004360.5(CDH1):c.2201G>C (p.Arg734Thr)

Gene: CDH1 (cadherin 1; plus strand). Cytogenetic location: 16q22.1.
Variant type: single nucleotide variant.
Coding change: c.2201G>C on transcript NM_004360.5 (MANE Select); coding-DNA position 2201, G replaced by C.
Protein change: p.Arg734Thr; replaces arginine 734 with threonine.
Molecular consequence: missense variant.
Genome position (GRCh38, 1-based): chr16:68,828,210, G>C. VCF-style: chr16-68828210-G-C. GRCh37 (hg19) VCF-style: chr16-68862113-G-C.
Other names: c.2201G>C (LRG_301t1); c.2018G>C, p.Arg673Thr (NM_001317184.2); c.653G>C, p.Arg218Thr (NM_001317185.2); c.236G>C, p.Arg79Thr (NM_001317186.2); short protein forms R734T, R218T, R79T, R673T.
Identifiers: ClinVar variation 216593 (VCV000216593.33), dbSNP rs587781859, ClinGen allele CA336308.
Genomic context (GRCh38, chr16:68,828,210, plus strand): 5'-GCTCTGTCTCCCCCACCATCCCAGTTCTGATTCTGCTGCTCTTGCTGTTTCTTCGGAGGA[G>C]AGCGGTGGTCAAAGAGCCCTTACTGCCCCCAGAGGATGACACCCGGGACAACGTTTATTA-3'
Protein context (NP_004351.1, residues 724-744): ILLLLLFLRR[Arg734Thr]AVVKEPLLPP

ClinVar aggregate classification (germline): Uncertain significance. Review status: criteria provided, multiple submitters, no conflicts (2 of 4 stars). 9 submissions from 9 submitters: Uncertain significance (8). 1 of the submissions does not count toward it. Last evaluated 2025-09-21.

Conditions:
Hereditary cancer-predisposing syndrome. Also called: Tumor predisposition; Hereditary Cancer Syndrome; Neoplastic Syndromes, Hereditary; Hereditary neoplastic syndrome. Identifiers: Orphanet 140162, MedGen C0027672, MeSH D009386, MONDO:0015356.
Hereditary diffuse gastric adenocarcinoma (HDGC). Also called: DIFFUSE GASTRIC AND LOBULAR BREAST CANCER SYNDROME. Identifiers: Orphanet 26106, MedGen C1708349, MONDO:0007648, OMIM 137215.
Familial cancer of breast. Also called: Hereditary breast cancer; BREAST CANCER, FAMILIAL; hereditary breast carcinoma. Identifiers: Orphanet 227535, MedGen C0346153, MONDO:0016419, OMIM 114480. Disease mechanism: loss of function.

Allele frequency attached by ClinVar (database versions not stated): gnomAD exomes below 0.00001; gnomAD 0.00001; TOPMed 0.00001.
gnomAD v4.1: 5 of 1,613,914 alleles (0.00031%); highest among the groups gnomAD compares: South Asian, 0.0011%; no homozygotes.

Submissions (9):

Labcorp Genetics (formerly Invitae), Labcorp
Classification: Uncertain significance for Hereditary diffuse gastric adenocarcinoma. Last evaluated: 2025-09-21. Review status: criteria provided, single submitter. Criteria: Invitae Variant Classification Sherloc (09022015). Collection method: clinical testing. Allele origin: germline.
Comment: This sequence change replaces arginine, which is basic and polar, with threonine, which is neutral and polar, at codon 734 of the CDH1 protein (p.Arg734Thr). This variant is present in population databases (no rsID available, gnomAD 0.0009%). This variant has not been reported in the literature in individuals affected with CDH1-related conditions. ClinVar contains an entry for this variant (Variation ID: 216593). An algorithm developed to predict the effect of missense changes on protein structure and function (PolyPhen-2) suggests that this variant is likely to be disruptive. Studies have shown that this missense change is associated with inconclusive levels of altered splicing (internal data). In summary, the available evidence is currently insufficient to determine the role of this variant in disease. Therefore, it has been classified as a Variant of Uncertain Significance.

Ambry Genetics
Classification: Uncertain significance for Hereditary cancer-predisposing syndrome. Last evaluated: 2025-06-27. Review status: criteria provided, single submitter. Criteria: Ambry Variant Classification Scheme 2023. Collection method: clinical testing. Allele origin: germline.
Comment: The p.R734T variant (also known as c.2201G>C), located in coding exon 14 of the CDH1 gene, results from a G to C substitution at nucleotide position 2201. The arginine at codon 734 is replaced by threonine, an amino acid with similar properties. This variant was detected as heterozygous in individual(s) with no reported features of CDH1-related diffuse gastric and lobular breast cancer (Ambry internal data). This amino acid position is not well conserved in available vertebrate species. In addition, this alteration is predicted to be tolerated by in silico analysis. Based on the available evidence, the clinical significance of this variant remains unclear.

Color Diagnostics, LLC DBA Color Health
Classification: Uncertain significance for Hereditary cancer-predisposing syndrome. Last evaluated: 2024-10-29. Review status: criteria provided, single submitter. Criteria: ACMG Guidelines, 2015. Collection method: clinical testing. Allele origin: germline.
Comment: This missense variant replaces arginine with threonine at codon 734 of the CDH1 protein. To our knowledge, functional studies have not been reported for this variant. This variant has not been reported in individuals affected with CDH1-related disorders in the literature. This variant has been identified in 1/251458 chromosomes in the general population by the Genome Aggregation Database (gnomAD). The available evidence is insufficient to determine the role of this variant in disease conclusively. Therefore, this variant is classified as a Variant of Uncertain Significance.

St. Jude Molecular Pathology, St. Jude Children's Research Hospital
Classification: Uncertain significance for Hereditary diffuse gastric adenocarcinoma. Last evaluated: 2024-05-24. Review status: criteria provided, single submitter. Criteria: St. Jude Assertion Criteria 2020. Collection method: clinical testing. Allele origin: germline.
Comment: The CDH1 c.2201G>C (p.Arg734Thr) missense change has a maximum subpopulation frequency of 0.00088% in gnomAD v2.1.1. Algorithms that predict the impact of sequence changes on splicing indicate that this change may affect splicing, but RNA studies are inconclusive (internal data). To our knowledge, this variant has not been reported in the literature in individuals with diffuse gastric and lobular breast cancer syndrome. In summary, the evidence currently available is insufficient to determine the clinical significance of this variant. It has therefore been classified as of uncertain significance.

GeneDx
Classification: Uncertain significance. Last evaluated: 2024-03-06. Review status: criteria provided, single submitter. Criteria: GeneDx Variant Classification Process June 2021. Collection method: clinical testing. Allele origin: germline. Affected: yes.
Comment: Not observed at a significant frequency in large population cohorts (gnomAD); In silico analysis supports that this missense variant has a deleterious effect on protein structure/function; In silico analysis supports a deleterious effect on splicing; This variant is associated with the following publications: (PMID: 15235021, 22850631, 26123647)

Baylor Genetics
Classification: Uncertain significance for Familial cancer of breast. Last evaluated: 2023-10-30. Review status: criteria provided, single submitter. Criteria: ACMG Guidelines, 2015. Collection method: clinical testing. Allele origin: unknown.

Myriad Genetics, Inc.
Classification: Uncertain significance for Hereditary diffuse gastric adenocarcinoma. Last evaluated: 2023-03-03. Review status: criteria provided, single submitter. Criteria: Myriad Autosomal Dominant, Autosomal Recessive and X-Linked Classification Criteria (2023). Collection method: clinical testing. Allele origin: unknown.
Comment: This variant is classified as a variant of uncertain significance as there is insufficient evidence to determine its impact on protein function and/or cancer risk.

Women's Health and Genetics/Laboratory Corporation of America, LabCorp
Classification: Uncertain significance. Last evaluated: 2021-08-08. Review status: criteria provided, single submitter. Criteria: LabCorp Variant Classification Summary - May 2015. Collection method: clinical testing. Allele origin: germline.
Comment: Variant summary: CDH1 c.2201G>C (p.Arg734Thr) results in a non-conservative amino acid change located in the Cadherin, cytoplasmic domain (IPR000233) of the encoded protein sequence. Four of five in-silico tools predict a damaging effect of the variant on protein function. The variant allele was found at a frequency of 4e-06 in 251458 control chromosomes. The available data on variant occurrences in the general population are insufficient to allow any conclusion about variant significance. To our knowledge, no occurrence of c.2201G>C in individuals affected with Breast Cancer and no experimental evidence demonstrating its impact on protein function have been reported. Five clinical diagnostic laboratories have submitted clinical-significance assessments for this variant to ClinVar after 2014 without evidence for independent evaluation. All laboratories classified the variant as uncertain significance. Based on the evidence outlined above, the variant was classified as uncertain significance.

Counsyl
Classification: Uncertain significance for Hereditary diffuse gastric adenocarcinoma. Last evaluated: 2017-01-16. Review status: no assertion criteria provided. Collection method: clinical testing. Allele origin: unknown. Not counted in ClinVar's aggregate classification.